The following is an entry in ClinVar:

ClinVar aggregate classification (germline): Uncertain significance. Review status: criteria provided, multiple submitters, no conflicts (2 of 4 stars). 2 submissions from 2 submitters: Uncertain significance (2). Last evaluated 2025-03-02.

Conditions:
Hereditary cancer-predisposing syndrome. Also called: Tumor predisposition; Hereditary neoplastic syndrome; Neoplastic Syndromes, Hereditary; Hereditary Cancer Syndrome. Identifiers: Orphanet 140162, MedGen C0027672, MeSH D009386, MONDO:0015356.
Bloom syndrome (BLM). Also called: Bloom-Torre-Machacek syndrome. Identifiers: Orphanet 125, MedGen C0005859, MONDO:0008876, OMIM 210900.

Submissions (2):

Ambry Genetics
Classification: Uncertain significance for Hereditary cancer-predisposing syndrome. Last evaluated: 2025-03-02. Review status: criteria provided, single submitter. Criteria: Ambry Variant Classification Scheme 2023. Collection method: clinical testing. Allele origin: germline.
Comment: The p.Q851H variant (also known as c.2553G>T), located in coding exon 11 of the BLM gene, results from a G to T substitution at nucleotide position 2553. The glutamine at codon 851 is replaced by histidine, an amino acid with highly similar properties. This amino acid position is conserved. In addition, the in silico prediction for this alteration is inconclusive. Based on the available evidence, the clinical significance of this variant remains unclear.

Labcorp Genetics (formerly Invitae), Labcorp
Classification: Uncertain significance for Bloom syndrome. Last evaluated: 2019-09-17. Review status: criteria provided, single submitter. Criteria: Invitae Variant Classification Sherloc (09022015). Collection method: clinical testing. Allele origin: germline.
Comment: In summary, the available evidence is currently insufficient to determine the role of this variant in disease. Therefore, it has been classified as a Variant of Uncertain Significance. Algorithms developed to predict the effect of missense changes on protein structure and function are either unavailable or do not agree on the potential impact of this missense change (SIFT: "Tolerated"; PolyPhen-2: "Probably Damaging"; Align-GVGD: "Class C0"). This variant has not been reported in the literature in individuals with BLM-related conditions. This variant is not present in population databases (ExAC no frequency). This sequence change replaces glutamine with histidine at codon 851 of the BLM protein (p.Gln851His). The glutamine residue is moderately conserved and there is a small physicochemical difference between glutamine and histidine.

NM_000057.4(BLM):c.2553G>T (p.Gln851His)

Gene: BLM (BLM RecQ like helicase; plus strand). Cytogenetic location: 15q26.1.
Variant type: single nucleotide variant.
Coding change: c.2553G>T on transcript NM_000057.4 (MANE Select); coding-DNA position 2553, G replaced by T.
Protein change: p.Gln851His; replaces glutamine 851 with histidine.
Molecular consequence: missense variant.
Genome position (GRCh38, 1-based): chr15:90,769,584, G>T. VCF-style: chr15-90769584-G-T. GRCh37 (hg19) VCF-style: chr15-91312814-G-T.
Other names: c.2553G>T (NM_000057.2); c.2553G>T, p.Gln851His (NM_001287246.2, NM_001287247.2); c.1428G>T, p.Gln476His (NM_001287248.2); short protein forms Q851H, Q476H.
Identifiers: ClinVar variation 958012 (VCV000958012.11), dbSNP rs1896244976, ClinGen allele CA393845561.